The following is an entry in ClinVar:

ClinVar aggregate classification (germline): Benign. Review status: criteria provided, multiple submitters, no conflicts (2 of 4 stars). 21 submissions from 17 submitters: Benign (17). 4 of the submissions do not count toward it. Last evaluated 2026-02-04.

Conditions:
Malignant hyperthermia, susceptibility to, 1 (MHS1). Also called: Malignant hyperthermia suceptibility 1; Anesthesia related hyperthermia; Malignant hyperpyrexia; Fulminating hyperpyrexia; Pharmacogenic myopathy; RYR1-Related Malignant Hyperthermia Susceptibility. Identifiers: Orphanet 423, MedGen C2930980, MONDO:0007783, OMIM 145600.
Central core myopathy (CMYO1A). Also called: CONGENITAL MYOPATHY 1A, AUTOSOMAL DOMINANT, WITH SUSCEPTIBILITY TO MALIGNANT HYPERTHERMIA; Central core disease; Myopathy, central fibrillar. Identifiers: Orphanet 597, MedGen C5830701, MONDO:0007294, OMIM 117000.
Congenital multicore myopathy with external ophthalmoplegia (CMYO1B). Also called: MULTIMINICORE DISEASE WITH EXTERNAL OPHTHALMOPLEGIA; MULTICORE MYOPATHY; Minicore myopathy with external ophthalmoplegia; Congenital myopathy 1B, autosomal recessive; Minicore myopathy. Identifiers: Orphanet 598, Orphanet 98905, MedGen C1850674, MONDO:0009712, OMIM 255320, HP:0003789.
King Denborough syndrome (KDS). Identifiers: MedGen C1840365, MONDO:0020485, OMIM 619542.
Congenital myopathy with fiber type disproportion. Also called: Congenital fiber-type disproportion myopathy; Congenital fiber-type disproportion. Identifiers: Orphanet 2020, MedGen C0546264, MONDO:0009711. Inheritance: all.
RYR1-related disorder. Also called: RYR1-related condition; RYR1-related disorders. Identifiers: MedGen CN239331.

Allele frequency attached by ClinVar (database versions not stated): 1000 Genomes Project 0.55411; 1000 Genomes Project 30x 0.55621; ESP Exome Variant Server 0.61702; ExAC 0.62113; gnomAD 0.62221 and 0.62871; TOPMed 0.62447; gnomAD exomes 0.62664.
gnomAD v4.1: 1,029,727 of 1,613,638 alleles (64%); highest among the groups gnomAD compares: Admixed American, 69%; 332,257 homozygotes.

Submissions (21):

Labcorp Genetics (formerly Invitae), Labcorp
Classification: Benign for RYR1-related disorder. Last evaluated: 2026-02-04. Review status: criteria provided, single submitter. Criteria: Invitae Variant Classification Sherloc (09022015). Collection method: clinical testing. Allele origin: germline.

Blueprint Genetics
Classification: Benign. Last evaluated: 2024-11-28. Review status: criteria provided, single submitter. Criteria: ACMG Guidelines, 2015. Collection method: clinical testing. Allele origin: germline.

Mayo Clinic Laboratories, Mayo Clinic
Classification: Benign. Last evaluated: 2024-11-08. Review status: criteria provided, single submitter. Criteria: ACMG Guidelines, 2015. Collection method: clinical testing. Allele origin: germline. Observed: 699 variant alleles.
Comment: BS1, BS2, BP4, BP7

Genome-Nilou Lab
Classification: Benign for Central core myopathy. Last evaluated: 2021-11-07. Review status: criteria provided, single submitter. Criteria: ACMG Guidelines, 2015. Collection method: clinical testing. Allele origin: germline. Affected: no.

Genome-Nilou Lab
Classification: Benign for King Denborough syndrome. Last evaluated: 2021-11-07. Review status: criteria provided, single submitter. Criteria: ACMG Guidelines, 2015. Collection method: clinical testing. Allele origin: germline. Affected: no.

Genome-Nilou Lab
Classification: Benign for Congenital multicore myopathy with external ophthalmoplegia. Last evaluated: 2021-11-07. Review status: criteria provided, single submitter. Criteria: ACMG Guidelines, 2015. Collection method: clinical testing. Allele origin: germline. Affected: no.

Fulgent Genetics
Classification: Benign for Central core myopathy; Malignant hyperthermia, susceptibility to, 1; Congenital myopathy 4A, autosomal dominant; Congenital multicore myopathy with external ophthalmoplegia; King Denborough syndrome. Last evaluated: 2021-08-11. Review status: criteria provided, single submitter. Criteria: ACMG Guidelines, 2015. Collection method: clinical testing. Allele origin: unknown.

Color Diagnostics, LLC DBA Color Health
Classification: Benign for Malignant hyperthermia, susceptibility to, 1. Last evaluated: 2019-03-29. Review status: criteria provided, single submitter. Criteria: ACMG Guidelines, 2015. Collection method: clinical testing. Allele origin: germline.

PreventionGenetics, part of Exact Sciences
Classification: Benign. Last evaluated: 2018-04-03. Review status: criteria provided, single submitter. Criteria: ACMG Guidelines, 2015. Collection method: clinical testing. Allele origin: germline.

Illumina Laboratory Services, Illumina
Classification: Benign for Malignant hyperthermia, susceptibility to, 1. Last evaluated: 2018-01-13. Review status: criteria provided, single submitter. Criteria: ICSL Variant Classification Criteria 13 December 2019. Collection method: clinical testing. Allele origin: germline.
Comment: This variant was observed in the ICSL laboratory as part of a predisposition screen in an ostensibly healthy population. It had not been previously curated by ICSL or reported in the Human Gene Mutation Database (HGMD: prior to June 1st, 2018), and was therefore a candidate for classification through an automated scoring system. Utilizing variant allele frequency, disease prevalence and penetrance estimates, and inheritance mode, an automated score was calculated to assess if this variant is too frequent to cause the disease. Based on the score and internal cut-off values, a variant classified as benign is not then subjected to further curation. The score for this variant resulted in a classification of benign for this disease.

Illumina Laboratory Services, Illumina
Classification: Benign for Central core myopathy. Last evaluated: 2018-01-13. Review status: criteria provided, single submitter. Criteria: ICSL Variant Classification Criteria 13 December 2019. Collection method: clinical testing. Allele origin: germline.
Comment: the same text as in the submission from Illumina Laboratory Services, Illumina above.

Illumina Laboratory Services, Illumina
Classification: Benign for Congenital multicore myopathy with external ophthalmoplegia. Last evaluated: 2018-01-13. Review status: criteria provided, single submitter. Criteria: ICSL Variant Classification Criteria 13 December 2019. Collection method: clinical testing. Allele origin: germline.
Comment: the same text as in the submission from Illumina Laboratory Services, Illumina above.

GeneDx
Classification: Benign. Last evaluated: 2016-01-25. Review status: criteria provided, single submitter. Criteria: GeneDx Variant Classification (06012015). Collection method: clinical testing. Allele origin: germline. Affected: yes.
Comment: This variant is considered likely benign or benign based on one or more of the following criteria: it is a conservative change, it occurs at a poorly conserved position in the protein, it is predicted to be benign by multiple in silico algorithms, and/or has population frequency not consistent with disease.

Laboratory for Molecular Medicine, Mass General Brigham Personalized Medicine
Classification: Benign. Last evaluated: 2015-01-13. Review status: criteria provided, single submitter. Criteria: LMM Criteria. Collection method: clinical testing. Allele origin: germline. Observed: 16 variant alleles.
Comment: p.Pro762Pro in exon 19 of RYR1: This variant is not expected to have clinical si gnificance because it does not alter an amino acid residue and is not located wi thin the splice consensus sequence. It has been identified in 46.3% (2039/4406) of African American chromosomes from a broad population by the NHLBI Exome Seque ncing Project (dbSNP rs3745847).

Eurofins Ntd Llc (ga)
Classification: Benign. Last evaluated: 2014-06-06. Review status: criteria provided, single submitter. Criteria: EGL Classification Definitions 2015. Collection method: clinical testing. Allele origin: germline. Observed: 48 variant alleles, 25 heterozygotes, 23 homozygotes.

Genetic Services Laboratory, University of Chicago
Classification: Benign. Last evaluated: 2013-08-15. Review status: criteria provided, single submitter. Criteria: ACMG Guidelines, 2007. Collection method: clinical testing. Allele origin: germline. Inheritance: Autosomal unknown.

Breakthrough Genomics
Classification: Benign. Review status: criteria provided, single submitter. Criteria: ACMG Guidelines, 2015. Collection method: not provided. Allele origin: germline. Inheritance: Autosomal recessive inheritance. Affected: yes.

Clinical Genetics, Academic Medical Center
Classification: Benign. Review status: no assertion criteria provided. Collection method: clinical testing. Allele origin: germline. Affected: yes. Study: VKGL Data-share Consensus. Not counted in ClinVar's aggregate classification.

Diagnostic Laboratory, Department of Genetics, University Medical Center Groningen
Classification: Benign. Review status: no assertion criteria provided. Collection method: clinical testing. Allele origin: germline. Affected: yes. Study: VKGL Data-share Consensus. Not counted in ClinVar's aggregate classification.

Joint Genome Diagnostic Labs from Nijmegen and Maastricht, Radboudumc and MUMC+
Classification: Benign. Review status: no assertion criteria provided. Collection method: clinical testing. Allele origin: germline. Affected: yes. Study: VKGL Data-share Consensus. Not counted in ClinVar's aggregate classification.

RYR1 database
No classification provided. Review status: no classification provided. Collection method: not provided. Allele origin: unknown. Not counted in ClinVar's aggregate classification.

NM_000540.3(RYR1):c.2286C>T (p.Pro762=)

Gene: RYR1 (ryanodine receptor 1; plus strand). Cytogenetic location: 19q13.2.
Variant type: single nucleotide variant.
Coding change: c.2286C>T on transcript NM_000540.3 (MANE Select); coding-DNA position 2286, C replaced by T.
Protein change: p.Pro762=; no amino-acid change (proline 762 retained).
Molecular consequence: synonymous variant.
Genome position (GRCh38, 1-based): chr19:38,459,264, C>T. VCF-style: chr19-38459264-C-T. GRCh37 (hg19) VCF-style: chr19-38949904-C-T.
Other names: p.Pro762=; c.2286C>T, p.Pro762= (NM_001042723.2).
Identifiers: ClinVar variation 93259 (VCV000093259.39), dbSNP rs3745847, ClinGen allele CA024343.